The following continues an entry in ClinVar:

NM_000059.4(BRCA2):c.6065C>G (p.Ser2022Ter)

Gene: BRCA2. ClinVar aggregate classification (germline): Pathogenic. Pathogenic (1).

Submissions 12 to 16 of 16:

Consortium of Investigators of Modifiers of BRCA1/2 (CIMBA), c/o University of Cambridge
Classification: Pathogenic for Breast-ovarian cancer, familial, susceptibility to, 2. Last evaluated: 2015-10-02. Review status: criteria provided, single submitter. Criteria: CIMBA Mutation Classification guidelines May 2016. Collection method: clinical testing. Allele origin: germline. Not counted in ClinVar's aggregate classification.

Clinical Genetics and Genomics, Karolinska University Hospital
Classification: Pathogenic. Last evaluated: 2014-05-27. Review status: criteria provided, single submitter. Criteria: ACMG Guidelines, 2015. Collection method: clinical testing. Allele origin: germline. Affected: yes. Observed: 5 variant alleles. Not counted in ClinVar's aggregate classification.

BRCAlab, Lund University
Classification: Pathogenic for Breast-ovarian cancer, familial, susceptibility to, 2. Last evaluated: 2022-08-26. Review status: no assertion criteria provided. Collection method: clinical testing. Allele origin: germline. Affected: yes. Not counted in ClinVar's aggregate classification.

Breast Cancer Information Core (BIC) (BRCA2)
Classification: Pathogenic for Breast-ovarian cancer, familial 2. Last evaluated: 2004-02-20. Review status: no assertion criteria provided. Collection method: clinical testing. Allele origin: germline. Affected: yes. Observed: 4 variant alleles. Not counted in ClinVar's aggregate classification.

Department of Pathology and Laboratory Medicine, Sinai Health System
Classification: Pathogenic for Malignant tumor of breast. Review status: no assertion criteria provided. Collection method: clinical testing. Allele origin: unknown. Affected: yes. Study: The Canadian Open Genetics Repository (COGR). Not counted in ClinVar's aggregate classification.
Comment: The BRCA2 p.Ser2022* variant was identified in 8 of 59946 proband chromosomes (frequency: 0.0001) from individuals or families with breast cancer (Rebbeck 2018, Winter 2016). The variant was also identified in dbSNP (ID: rs80358843) as "With Pathogenic allele", ClinVar (classified as pathogenic by seven submitters), and in LOVD 3.0 (4x). The variant was not identified in UMD-LSDB. The variant was identified in control databases in 1 of 245756 chromosomes at a frequency of 0.000004 (Genome Aggregation Database Feb 27, 2017). The variant was observed in the European population in 1 of 111396 chromosomes (freq: 0.000009), but not in the African, Other, Latino, Ashkenazi Jewish, East Asian, Finnish, and South Asian populations. The c.6065C>G variant leads to a premature stop codon at position 2022 which is predicted to lead to a truncated or absent protein and loss of function. Loss of function variants of the BRCA2 gene are an established mechanism of disease in BRCA2 associated cancers and is the type of variant expected to cause the disorder. In summary, based on the above information this variant meets our laboratoryâ€šÃ„Ã´s criteria to be classified as pathogenic.

Literature cited by the submitters: PubMed 29446198 (cited by 3 submitters); PubMed 34887416 (cited by Center for Genomic Medicine, Rigshospitalet, Copenhagen University Hospital); PubMed 20104584 (cited by Labcorp Genetics (formerly Invitae), Labcorp); PubMed 10644434 (cited by 4 submitters); PubMed 16140926 (cited by 4 submitters); PubMed 27194814 (cited by Labcorp Genetics (formerly Invitae), Labcorp and Color Diagnostics, LLC DBA Color Health); PubMed 10615237 (cited by Color Diagnostics, LLC DBA Color Health and Women's Health and Genetics/Laboratory Corporation of America, LabCorp); PubMed 10899649 (cited by 3 submitters); PubMed 11710835 (cited by 3 submitters); PubMed 24094589 (cited by 3 submitters); PubMed 31853058 (cited by Color Diagnostics, LLC DBA Color Health); PubMed 33471991 (cited by Color Diagnostics, LLC DBA Color Health); PubMed 30425037 (cited by Laboratory for Molecular Medicine, Mass General Brigham Personalized Medicine and Women's Health and Genetics/Laboratory Corporation of America, LabCorp); PubMed 21702907 (cited by Women's Health and Genetics/Laboratory Corporation of America, LabCorp).